The following is an entry in ClinVar:

ClinVar aggregate classification (germline): Conflicting classifications of pathogenicity. Review status: criteria provided, conflicting classifications (1 of 4 stars). 2 submissions from 2 submitters: Uncertain significance (1); Likely benign (1). Last evaluated 2026-01-05.

Conditions:
Inborn genetic diseases. Identifiers: MedGen C0950123, MeSH D030342.

Allele frequency attached by ClinVar (database versions not stated): ESP Exome Variant Server 0.00008; gnomAD exomes 0.00009; ExAC 0.00005; TOPMed 0.00011; gnomAD 0.00006.
gnomAD v4.1: 146 of 1,613,856 alleles (0.009%); highest among the groups gnomAD compares: Middle Eastern, 0.016%; no homozygotes.

Submissions (2):

Labcorp Genetics (formerly Invitae), Labcorp
Classification: Uncertain significance. Last evaluated: 2026-01-05. Review status: criteria provided, single submitter. Criteria: Invitae Variant Classification Sherloc (09022015). Collection method: clinical testing. Allele origin: germline.
Comment: This sequence change replaces valine, which is neutral and non-polar, with isoleucine, which is neutral and non-polar, at codon 2093 of the DCHS1 protein (p.Val2093Ile). This variant is present in population databases (rs372952479, gnomAD 0.006%). This variant has not been reported in the literature in individuals affected with DCHS1-related conditions. ClinVar contains an entry for this variant (Variation ID: 2019021). Invitae Evidence Modeling of protein sequence and biophysical properties (such as structural, functional, and spatial information, amino acid conservation, physicochemical variation, residue mobility, and thermodynamic stability) indicates that this missense variant is not expected to disrupt DCHS1 protein function with a negative predictive value of 95%. In summary, the available evidence is currently insufficient to determine the role of this variant in disease. Therefore, it has been classified as a Variant of Uncertain Significance.

Ambry Genetics
Classification: Likely benign for Inborn genetic diseases. Last evaluated: 2025-01-28. Review status: criteria provided, single submitter. Criteria: Ambry Variant Classification Scheme 2023. Collection method: clinical testing. Allele origin: germline.

NM_003737.4(DCHS1):c.6277G>A (p.Val2093Ile)

Gene: DCHS1 (dachsous cadherin-related 1; minus strand). Cytogenetic location: 11p15.4.
Variant type: single nucleotide variant.
Coding change: c.6277G>A on transcript NM_003737.4 (MANE Select); coding-DNA position 6277, G replaced by A.
Protein change: p.Val2093Ile; replaces valine 2093 with isoleucine.
Molecular consequence: missense variant.
Genome position (GRCh38, 1-based): chr11:6,626,639, C>T on the plus strand (G>A on the coding strand, the complement: DCHS1 is on the minus strand). VCF-style: chr11-6626639-C-T. GRCh37 (hg19) VCF-style: chr11-6647870-C-T.
Other names: c.6277G>A (NM_003737.2); short protein forms V2093I.
Identifiers: ClinVar variation 2019021 (VCV002019021.5), dbSNP rs372952479, ClinGen allele CA5859895.